The following is an entry in ClinVar:

ClinVar aggregate classification (germline): Uncertain significance (1 of 4 stars; one submission).

Conditions:
Hereditary cancer-predisposing syndrome. Also called: Neoplastic Syndromes, Hereditary; Tumor predisposition; Hereditary Cancer Syndrome; Hereditary neoplastic syndrome. Identifiers: Orphanet 140162, MedGen C0027672, MeSH D009386, MONDO:0015356.

Submission:

Ambry Genetics
Classification: Uncertain significance for Hereditary cancer-predisposing syndrome. Last evaluated: 2025-10-30. Review status: criteria provided, single submitter. Criteria: Ambry Variant Classification Scheme 2023. Collection method: clinical testing. Allele origin: germline.
Comment: The p.S213T variant (also known as c.637T>A), located in coding exon 6 of the BMPR1A gene, results from a T to A substitution at nucleotide position 637. The serine at codon 213 is replaced by threonine, an amino acid with similar properties. This amino acid position is conserved. In addition, the in silico prediction for this alteration is inconclusive. Based on the available evidence, the clinical significance of this variant remains unclear.

NM_004329.3(BMPR1A):c.637T>A (p.Ser213Thr)

Gene: BMPR1A (bone morphogenetic protein receptor type 1A; plus strand). Cytogenetic location: 10q23.2.
Variant type: single nucleotide variant.
Coding change: c.637T>A on transcript NM_004329.3 (MANE Select); coding-DNA position 637, T replaced by A.
Protein change: p.Ser213Thr; replaces serine 213 with threonine.
Molecular consequence: missense variant. On other transcripts: non-coding transcript variant (3), intron variant (1).
Genome position (GRCh38, 1-based): chr10:86,912,346, T>A. VCF-style: chr10-86912346-T-A. GRCh37 (hg19) VCF-style: chr10-88672103-T-A.
Other names: c.553T>A, p.Ser185Thr (NM_001406585.1, NM_001406584.1, NM_001406586.1 and 2 more transcripts); c.637T>A, p.Ser213Thr (NM_001406582.1, NM_001406583.1, NM_001406579.1 and 20 more transcripts); c.712T>A, p.Ser238Thr (NM_001406559.1); c.685T>A, p.Ser229Thr (NM_001406560.1); c.334-4788T>A (NM_001406589.1); short protein forms S185T, S213T, S229T, S238T.
Identifiers: ClinVar variation 4623411 (VCV004623411.1).
Genomic context (GRCh38, chr10:86,912,346, plus strand): 5'-TTGGAACAGGATGAAGCATTTATTCCAGTTGGAGAATCACTAAAAGACCTTATTGACCAG[T>A]CACAAAGTTCTGGTAGTGGGTCTGGACTACCTTTATTGGTAAGTTAAACGTTCCTATAGA-3'
Protein context (NP_004320.2, residues 203-223): GESLKDLIDQ[Ser213Thr]QSSGSGSGLP